The following is an entry in ClinVar:

ClinVar aggregate classification (germline): Uncertain significance. Review status: criteria provided, multiple submitters, no conflicts (2 of 4 stars). 2 submissions from 2 submitters: Uncertain significance (2). Last evaluated 2024-02-21.

Conditions:
Ectodermal dysplasia and immunodeficiency 2. Identifiers: Orphanet 238468, Orphanet 98813, MedGen C2677481, MONDO:0012806, OMIM 612132.

Allele frequency attached by ClinVar (database versions not stated): ExAC 0.00001; gnomAD 0.00001; TOPMed 0.00001.

Submissions (2):

Fulgent Genetics
Classification: Uncertain significance for Ectodermal dysplasia and immunodeficiency 2. Last evaluated: 2024-02-21. Review status: criteria provided, single submitter. Criteria: ACMG Guidelines, 2015. Collection method: clinical testing. Allele origin: germline.

Labcorp Genetics (formerly Invitae), Labcorp
Classification: Uncertain significance for Ectodermal dysplasia and immunodeficiency 2. Last evaluated: 2023-12-09. Review status: criteria provided, single submitter. Criteria: Invitae Variant Classification Sherloc (09022015). Collection method: clinical testing. Allele origin: germline.
Comment: This sequence change replaces leucine, which is neutral and non-polar, with proline, which is neutral and non-polar, at codon 25 of the NFKBIA protein (p.Leu25Pro). This variant is present in population databases (rs758102701, gnomAD 0.01%). This variant has not been reported in the literature in individuals affected with NFKBIA-related conditions. An algorithm developed to predict the effect of missense changes on protein structure and function (PolyPhen-2) suggests that this variant is likely to be tolerated. In summary, the available evidence is currently insufficient to determine the role of this variant in disease. Therefore, it has been classified as a Variant of Uncertain Significance.

NM_020529.3(NFKBIA):c.74T>C (p.Leu25Pro)

Genes: NFKBIA (NFKB inhibitor alpha; minus strand), LOC130055497 (ATAC-STARR-seq lymphoblastoid silent region 5676; plus strand). Cytogenetic location: 14q13.2.
Variant type: single nucleotide variant.
Coding change: c.74T>C on transcript NM_020529.3 (MANE Select); coding-DNA position 74, T replaced by C.
Protein change: p.Leu25Pro; replaces leucine 25 with proline.
Molecular consequence: missense variant.
Genome position (GRCh38, 1-based): chr14:35,404,571, A>G on the plus strand (T>C on the coding strand, the complement: NFKBIA is on the minus strand). VCF-style: chr14-35404571-A-G. GRCh37 (hg19) VCF-style: chr14-35873777-A-G.
Other names: short protein forms L25P.
Identifiers: ClinVar variation 2781322 (VCV002781322.4), dbSNP rs758102701, ClinGen allele CA7155600.
Genomic context (GRCh38, chr14:35,404,571, plus strand): 5'-ATCTGCTCGTACTCCTCGTCTTTCATGGAGTCCAGGCCGCTGTCGTGGCGGTCGTCCAGT[A>G]GCCGCTCCTTCTTCAGCCCGTCGCGGGGGCCCTCCATGGCCCACTCCTGGGGGCGCTCGG-3'
Protein context (NP_065390.1, residues 15-35): GPRDGLKKER[Leu25Pro]LDDRHDSGLD